The following is an entry in ClinVar:

ClinVar aggregate classification (germline): Benign/Likely benign. Review status: criteria provided, multiple submitters, no conflicts (2 of 4 stars). 3 submissions from 3 submitters: Benign (1); Likely benign (2). Last evaluated 2025-04-09.

Conditions:
Hereditary cancer-predisposing syndrome. Also called: Neoplastic Syndromes, Hereditary; Hereditary neoplastic syndrome; Hereditary Cancer Syndrome; Tumor predisposition. Identifiers: Orphanet 140162, MedGen C0027672, MeSH D009386, MONDO:0015356.
Tuberous sclerosis 1 (TSC1). Identifiers: Orphanet 805, MedGen C1854465, MONDO:0008612, OMIM 191100.

Allele frequency attached by ClinVar (database versions not stated): gnomAD 0.00001.
gnomAD v4.1: 2 of 1,613,616 alleles (0.00012%); highest among the groups gnomAD compares: East Asian, 0.0022%; no homozygotes.

Submissions (3):

Myriad Genetics, Inc.
Classification: Benign for Tuberous sclerosis 1. Last evaluated: 2025-04-09. Review status: criteria provided, single submitter. Criteria: Myriad Autosomal Dominant, Autosomal Recessive and X-Linked Classification Criteria (2023). Collection method: clinical testing. Allele origin: unknown.
Comment: This variant is considered benign. This variant is a silent/synonymous amino acid change and it is not expected to impact splicing.

Ambry Genetics
Classification: Likely benign for Hereditary cancer-predisposing syndrome. Last evaluated: 2024-02-24. Review status: criteria provided, single submitter. Criteria: Ambry Variant Classification Scheme 2023. Collection method: clinical testing. Allele origin: germline.

Labcorp Genetics (formerly Invitae), Labcorp
Classification: Likely benign for Tuberous sclerosis 1. Last evaluated: 2023-08-28. Review status: criteria provided, single submitter. Criteria: Invitae Variant Classification Sherloc (09022015). Collection method: clinical testing. Allele origin: germline.

NM_000368.5(TSC1):c.1473A>C (p.Thr491=)

Gene: TSC1 (TSC complex subunit 1; minus strand). Cytogenetic location: 9q34.13.
Variant type: single nucleotide variant.
Coding change: c.1473A>C on transcript NM_000368.5 (MANE Select); coding-DNA position 1473, A replaced by C.
Protein change: p.Thr491=; no amino-acid change (threonine 491 retained).
Molecular consequence: synonymous variant.
Genome position (GRCh38, 1-based): chr9:132,906,105, T>G on the plus strand (A>C on the coding strand, the complement: TSC1 is on the minus strand). VCF-style: chr9-132906105-T-G. GRCh37 (hg19) VCF-style: chr9-135781492-T-G.
Other names: c.1470A>C, p.Thr490= (NM_001162426.2); c.1320A>C, p.Thr440= (NM_001162427.2); c.1110A>C, p.Thr370= (NM_001362177.2); c.1473A>C (NM_000368.4).
Identifiers: ClinVar variation 1104492 (VCV001104492.11), dbSNP rs1588311152, ClinGen allele CA467591205.